The following is an entry in ClinVar:

ClinVar aggregate classification (germline): Uncertain significance. Review status: criteria provided, multiple submitters, no conflicts (2 of 4 stars). 2 submissions from 2 submitters: Uncertain significance (2). Last evaluated 2023-04-17.

Conditions:
Hereditary cancer-predisposing syndrome. Also called: Hereditary Cancer Syndrome; Hereditary neoplastic syndrome; Neoplastic Syndromes, Hereditary; Tumor predisposition. Identifiers: Orphanet 140162, MedGen C0027672, MeSH D009386, MONDO:0015356.
POLD1-related polyposis and colorectal cancer syndrome (CRCS10). Also called: Colorectal cancer, susceptibility to, 10; Colorectal cancer 10; COLORECTAL CANCER, SUSCEPTIBILITY TO, ON CHROMOSOME 19q. Identifiers: Orphanet 220460, MedGen C2675481, MONDO:0012953, OMIM 612591.

Allele frequency attached by ClinVar (database versions not stated): TOPMed below 0.00001.

Submissions (2):

Ambry Genetics
Classification: Uncertain significance for Hereditary cancer-predisposing syndrome. Last evaluated: 2023-04-17. Review status: criteria provided, single submitter. Criteria: Ambry Variant Classification Scheme 2023. Collection method: clinical testing. Allele origin: germline.
Comment: The p.G540C variant (also known as c.1618G>T), located in coding exon 12 of the POLD1 gene, results from a G to T substitution at nucleotide position 1618. The glycine at codon 540 is replaced by cysteine, an amino acid with highly dissimilar properties. This amino acid position is well conserved in available vertebrate species. In addition, this alteration is predicted to be deleterious by in silico analysis. Since supporting evidence is limited at this time, the clinical significance of this alteration remains unclear.

Labcorp Genetics (formerly Invitae), Labcorp
Classification: Uncertain significance for POLD1-related polyposis and colorectal cancer syndrome. Last evaluated: 2023-04-06. Review status: criteria provided, single submitter. Criteria: Invitae Variant Classification Sherloc (09022015). Collection method: clinical testing. Allele origin: germline.
Comment: ClinVar contains an entry for this variant (Variation ID: 819675). This sequence change replaces glycine, which is neutral and non-polar, with cysteine, which is neutral and slightly polar, at codon 540 of the POLD1 protein (p.Gly540Cys). This variant is not present in population databases (gnomAD no frequency). This variant has not been reported in the literature in individuals affected with POLD1-related conditions. Advanced modeling of protein sequence and biophysical properties (such as structural, functional, and spatial information, amino acid conservation, physicochemical variation, residue mobility, and thermodynamic stability) performed at Invitae indicates that this missense variant is expected to disrupt POLD1 protein function. In summary, the available evidence is currently insufficient to determine the role of this variant in disease. Therefore, it has been classified as a Variant of Uncertain Significance.

NM_002691.4(POLD1):c.1618G>T (p.Gly540Cys)

Gene: POLD1 (DNA polymerase delta 1, catalytic subunit; plus strand). Cytogenetic location: 19q13.33.
Variant type: single nucleotide variant.
Coding change: c.1618G>T on transcript NM_002691.4 (MANE Select); coding-DNA position 1618, G replaced by T.
Protein change: p.Gly540Cys; replaces glycine 540 with cysteine.
Molecular consequence: missense variant. On other transcripts: non-coding transcript variant (1).
Genome position (GRCh38, 1-based): chr19:50,407,106, G>T. VCF-style: chr19-50407106-G-T. GRCh37 (hg19) VCF-style: chr19-50910363-G-T.
Other names: c.1618G>T, p.Gly540Cys (NM_001256849.1, NM_001308632.1); short protein forms G540C.
Identifiers: ClinVar variation 819675 (VCV000819675.11), dbSNP rs1601219662, ClinGen allele CA406980985.